The following is an entry in ClinVar:

NM_000817.3(GAD1):c.1002+4T>C

Gene: GAD1 (glutamate decarboxylase 1; plus strand). Cytogenetic location: 2q31.1.
Variant type: single nucleotide variant.
Coding change: c.1002+4T>C on transcript NM_000817.3 (MANE Select); 4 bases into the intron after coding-DNA position 1002, T replaced by C.
Molecular consequence: intron variant.
Genome position (GRCh38, 1-based): chr2:170,846,067, T>C. VCF-style: chr2-170846067-T-C. GRCh37 (hg19) VCF-style: chr2-171702577-T-C.
Identifiers: ClinVar variation 2804356 (VCV002804356.3), dbSNP rs139531653, ClinGen allele CA537973432.

ClinVar aggregate classification (germline): Uncertain significance (1 of 4 stars; one submission).

Conditions:
Neurodevelopmental disorder with progressive spasticity and brain white matter abnormalities. Also called: CEREBRAL PALSY, SPASTIC QUADRIPLEGIC, 1. Identifiers: Orphanet 210141, Orphanet 641353, MedGen C5436628, MONDO:0033613, OMIM 619026.

gnomAD v4.1: 2 of 1,611,738 alleles (0.00012%); highest among the groups gnomAD compares: Admixed American, 0.0017%; no homozygotes.

Submission:

Labcorp Genetics (formerly Invitae), Labcorp
Classification: Uncertain significance for Neurodevelopmental disorder with progressive spasticity and brain white matter abnormalities. Last evaluated: 2023-04-26. Review status: criteria provided, single submitter. Criteria: Invitae Variant Classification Sherloc (09022015). Collection method: clinical testing. Allele origin: germline.
Comment: In summary, the available evidence is currently insufficient to determine the role of this variant in disease. Therefore, it has been classified as a Variant of Uncertain Significance. Variants that disrupt the consensus splice site are a relatively common cause of aberrant splicing (PMID: 17576681, 9536098). Algorithms developed to predict the effect of sequence changes on RNA splicing suggest that this variant is not likely to affect RNA splicing. This variant has not been reported in the literature in individuals affected with GAD1-related conditions. This variant is present in population databases (no rsID available, gnomAD 0.003%). This sequence change falls in intron 10 of the GAD1 gene. It does not directly change the encoded amino acid sequence of the GAD1 protein. It affects a nucleotide within the consensus splice site.

Literature cited by the submitters: PubMed 17576681; PubMed 9536098.